The following is an entry in ClinVar:

ClinVar aggregate classification (germline): Uncertain significance (1 of 4 stars; one submission).

Submission:

GeneDx
Classification: Uncertain significance. Last evaluated: 2024-06-10. Review status: criteria provided, single submitter. Criteria: GeneDx Variant Classification Process June 2021. Collection method: clinical testing. Allele origin: germline. Affected: yes.
Comment: Has not been previously published as pathogenic or benign to our knowledge; Not observed at significant frequency in large population cohorts (gnomAD); In silico analysis supports a deleterious effect on splicing; Reported using an alternate transcript of the gene

NM_002294.3(LAMP2):c.1093+2506T>C

Gene: LAMP2 (lysosomal associated membrane protein 2; minus strand). Cytogenetic location: Xq24.
Variant type: single nucleotide variant.
Coding change: c.1093+2506T>C on transcript NM_002294.3 (MANE Select); 2506 bases into the intron after coding-DNA position 1093, T replaced by C.
Molecular consequence: intron variant. On other transcripts: missense variant (1).
Genome position (GRCh38, 1-based): chrX:120,439,224, A>G on the plus strand (T>C on the coding strand, the complement: LAMP2 is on the minus strand). VCF-style: chrX-120439224-A-G. GRCh37 (hg19) VCF-style: chrX-119573079-A-G.
Other names: c.1163T>C, p.Leu388Ser (NM_013995.2); c.1093+2506T>C (NM_001122606.1); short protein forms L388S.
Identifiers: ClinVar variation 3390570 (VCV003390570.1).